The following is an entry in ClinVar:

NM_001283009.2(RTEL1):c.101_102+16dup

Genes: RTEL1 (regulator of telomere elongation helicase 1; plus strand), RTEL1-TNFRSF6B (RTEL1-TNFRSF6B readthrough (NMD candidate); plus strand). Cytogenetic location: 20q13.33.
Variant type: Duplication.
Coding change: c.101_102+16dup on transcript NM_001283009.2 (MANE Select); coding-DNA position 101 through 16 bases into the intron after coding-DNA position 102, 18 bases duplicated (AGGTAGAGCACAGGCCCC).
Molecular consequence: splice donor variant. On other transcripts: intron variant (1).
Genome position (GRCh38, 1-based): chr20:63,659,503-63,659,520, AGGTAGAGCACAGGCCCC duplicated; duplicating any 18 consecutive bases within chr20:63,659,502-63,659,520 gives the same sequence; the c. name uses the placement nearest the transcript's 3' end. VCF-style (leftmost placement, unchanged base first): chr20-63659501-G-GCAGGTAGAGCACAGGCCC. GRCh37 (hg19) VCF-style: chr20-62290854-G-GCAGGTAGAGCACAGGCCC.
Other names: c.-568+1044_-568+1061dup (NM_001283010.1); c.101_102+16dup (NM_032957.5, NM_016434.4).
Identifiers: ClinVar variation 558419 (VCV000558419.4), dbSNP rs1478655064, ClinGen allele CA636356873.
Genomic context (GRCh38, chr20:63,659,501, plus strand): 5'-CCCTTTCCAGCCCTACAAATGCCAACAGGAGTACATGACCAAGGTCCTGGAATGTCTGCA[G>GCAGGTAGAGCACAGGCCC]CAGGTAGAGCACAGGCCCCGAGGAAAGGACTGCGGGTGGGTGGAGCTTCAGCCAGGACGG-3'

ClinVar aggregate classification (germline): Uncertain significance. Review status: criteria provided, single submitter (1 of 4 stars). 2 submissions from 2 submitters: Uncertain significance (1). 1 of the submissions does not count toward it. Last evaluated 2021-07-14.

Conditions:
Pulmonary fibrosis and/or bone marrow failure, Telomere-related, 3. Also called: PULMONARY FIBROSIS AND/OR BONE MARROW FAILURE SYNDROME, TELOMERE-RELATED, 3. Identifiers: Orphanet 2032, MedGen C4225346, MONDO:0014613, OMIM 616373.
Dyskeratosis congenita, autosomal recessive 5 (DKCB5). Identifiers: MedGen C3554656, MONDO:0014076, OMIM 615190.

Submissions (2):

Labcorp Genetics (formerly Invitae), Labcorp
Classification: Uncertain significance for Dyskeratosis congenita, autosomal recessive 5; Pulmonary fibrosis and/or bone marrow failure, Telomere-related, 3. Last evaluated: 2021-07-14. Review status: criteria provided, single submitter. Criteria: Invitae Variant Classification Sherloc (09022015). Collection method: clinical testing. Allele origin: germline.
Comment: This sequence change falls in intron 2 of the RTEL1 gene. It does not directly change the encoded amino acid sequence of the RTEL1 protein. It affects a nucleotide within the consensus splice site of the intron. This variant is not present in population databases (ExAC no frequency). This variant has not been reported in the literature in individuals affected with RTEL1-related conditions. ClinVar contains an entry for this variant (Variation ID: 558419). Nucleotide substitutions within the consensus splice site are a relatively common cause of aberrant splicing (PMID: 17576681, 9536098). Algorithms developed to predict the effect of sequence changes on RNA splicing suggest that this variant may create or strengthen a splice site. In summary, the available evidence is currently insufficient to determine the role of this variant in disease. Therefore, it has been classified as a Variant of Uncertain Significance.

Counsyl
Classification: Uncertain significance for Dyskeratosis congenita, autosomal recessive 5. Last evaluated: 2018-05-21. Review status: no assertion criteria provided. Collection method: clinical testing. Allele origin: unknown. Not counted in ClinVar's aggregate classification.

Literature cited by the submitters: PubMed 17576681 (cited by Labcorp Genetics (formerly Invitae), Labcorp); PubMed 9536098 (cited by Labcorp Genetics (formerly Invitae), Labcorp).